The following is an entry in ClinVar:

NM_000051.4(ATM):c.1038T>G (p.Ile346Met)

Gene: ATM (ATM serine/threonine kinase; plus strand). Cytogenetic location: 11q22.3.
Variant type: single nucleotide variant.
Coding change: c.1038T>G on transcript NM_000051.4 (MANE Select); coding-DNA position 1038, T replaced by G.
Protein change: p.Ile346Met; replaces isoleucine 346 with methionine.
Molecular consequence: missense variant.
Genome position (GRCh38, 1-based): chr11:108,247,100, T>G. VCF-style: chr11-108247100-T-G. GRCh37 (hg19) VCF-style: chr11-108117827-T-G.
Other names: c.1038T>G, p.Ile346Met (NM_001351834.2); short protein forms I346M.
Identifiers: ClinVar variation 479025 (VCV000479025.13), dbSNP rs749950833, ClinGen allele CA382531679.

ClinVar aggregate classification (germline): Uncertain significance. Review status: criteria provided, multiple submitters, no conflicts (2 of 4 stars). 3 submissions from 3 submitters: Uncertain significance (3). Last evaluated 2024-11-12.

Conditions:
Hereditary cancer-predisposing syndrome. Also called: Tumor predisposition; Neoplastic Syndromes, Hereditary; Hereditary Cancer Syndrome; Hereditary neoplastic syndrome. Identifiers: Orphanet 140162, MedGen C0027672, MeSH D009386, MONDO:0015356.
Ataxia-telangiectasia syndrome (AT). Also called: Cerebello-oculocutaneous telangiectasia; Immunodeficiency with ataxia telangiectasia; ATAXIA-TELANGIECTASIA, COMPLEMENTATION GROUP A; Ataxia-telangiectasia, complementation group D; AT, COMPLEMENTATION GROUP C; ATAXIA-TELANGIECTASIA, FRESNO VARIANT. Identifiers: Orphanet 100, MedGen C0004135, MONDO:0008840, OMIM 208900.

Submissions (3):

Quest Diagnostics Nichols Institute San Juan Capistrano
Classification: Uncertain significance. Last evaluated: 2024-11-12. Review status: criteria provided, single submitter. Criteria: Quest Diagnostics criteria. Collection method: clinical testing. Allele origin: unknown.
Comment: The ATM c.1038T>G (p.Ile346Met) variant has not been reported in individuals with ATM-related conditions in the published literature. It also has not been reported in large, multi-ethnic general populations (Genome Aggregation Database). Analysis of this variant using bioinformatics tools for the prediction of the effect of amino acid changes on protein structure and function yielded conflicting predictions that this variant is benign or damaging. Based on the available information, we are unable to determine the clinical significance of this variant.

Labcorp Genetics (formerly Invitae), Labcorp
Classification: Uncertain significance for Ataxia-telangiectasia syndrome. Last evaluated: 2024-11-05. Review status: criteria provided, single submitter. Criteria: Invitae Variant Classification Sherloc (09022015). Collection method: clinical testing. Allele origin: germline.
Comment: This sequence change replaces isoleucine, which is neutral and non-polar, with methionine, which is neutral and non-polar, at codon 346 of the ATM protein (p.Ile346Met). This variant is not present in population databases (gnomAD no frequency). This variant has not been reported in the literature in individuals affected with ATM-related conditions. ClinVar contains an entry for this variant (Variation ID: 479025). Invitae Evidence Modeling of protein sequence and biophysical properties (such as structural, functional, and spatial information, amino acid conservation, physicochemical variation, residue mobility, and thermodynamic stability) indicates that this missense variant is not expected to disrupt ATM protein function with a negative predictive value of 95%. In summary, the available evidence is currently insufficient to determine the role of this variant in disease. Therefore, it has been classified as a Variant of Uncertain Significance.

Ambry Genetics
Classification: Uncertain significance for Hereditary cancer-predisposing syndrome. Last evaluated: 2016-09-07. Review status: criteria provided, single submitter. Criteria: Ambry Variant Classification Scheme 2023. Collection method: clinical testing. Allele origin: germline.
Comment: The p.I346M variant (also known as c.1038T>G), located in coding exon 7 of the ATM gene, results from a T to G substitution at nucleotide position 1038. The isoleucine at codon 346 is replaced by methionine, an amino acid with highly similar properties. This variant was not reported in population based cohorts in the following databases: Database of Single Nucleotide Polymorphisms (dbSNP), NHLBI Exome Sequencing Project (ESP), and 1000 Genomes Project. In the ESP, this variant was not observed in 6498 samples (12996 alleles) with coverage at this position. To date, this alteration has been detected with an allele frequency of approximately 0.001% (greater than 180000 alleles tested) in our clinical cohort. This amino acid position is well conserved in available vertebrate species. In addition, this alteration is predicted to be tolerated by in silico analysis. Since supporting evidence is limited at this time, the clinical significance of this alteration remains unclear.